The following is an entry in ClinVar:

NM_000083.3(CLCN1):c.706G>C (p.Val236Leu)

Gene: CLCN1 (chloride voltage-gated channel 1; plus strand). Cytogenetic location: 7q34.
Variant type: single nucleotide variant.
Coding change: c.706G>C on transcript NM_000083.3 (MANE Select); coding-DNA position 706, G replaced by C.
Protein change: p.Val236Leu; replaces valine 236 with leucine.
Molecular consequence: missense variant. On other transcripts: non-coding transcript variant (1).
Genome position (GRCh38, 1-based): chr7:143,323,318, G>C. VCF-style: chr7-143323318-G-C. GRCh37 (hg19) VCF-style: chr7-143020411-G-C.
Other names: short protein forms V236L.
Identifiers: ClinVar variation 641102 (VCV000641102.13), dbSNP rs776173406, ClinGen allele CA369686339.

ClinVar aggregate classification (germline): Conflicting classifications of pathogenicity. Review status: criteria provided, conflicting classifications (1 of 4 stars). 2 submissions from 2 submitters: Likely pathogenic (1); Uncertain significance (1). Last evaluated 2022-01-13.

Conditions:
Congenital myotonia, autosomal dominant form (THD). Also called: THOMSEN DISEASE; Myotonia congenita autosomal dominant. Identifiers: Orphanet 614, MedGen C2936781, MONDO:0008055, OMIM 160800.
Congenital myotonia, autosomal recessive form. Also called: BECKER DISEASE; Becker Generalized Myotonia; myotonia congenita, autosomal recessive. Identifiers: Orphanet 614, MedGen C0751360, MONDO:0009715, OMIM 255700.

gnomAD v4.1: 1 of 1,612,474 alleles (0.000062%); highest among the groups gnomAD compares: Non-Finnish European, 0.000085%; no homozygotes.

Submissions (2):

Labcorp Genetics (formerly Invitae), Labcorp
Classification: Likely pathogenic for Congenital myotonia, autosomal recessive form; Congenital myotonia, autosomal dominant form. Last evaluated: 2022-01-13. Review status: criteria provided, single submitter. Criteria: Invitae Variant Classification Sherloc (09022015). Collection method: clinical testing. Allele origin: germline.
Comment: This sequence change replaces valine, which is neutral and non-polar, with leucine, which is neutral and non-polar, at codon 236 of the CLCN1 protein (p.Val236Leu). This variant is not present in population databases (gnomAD no frequency). In summary, the currently available evidence indicates that the variant is pathogenic, but additional data are needed to prove that conclusively. Therefore, this variant has been classified as Likely Pathogenic. Experimental studies have shown that this missense change affects CLCN1 function (PMID: 9736777). Advanced modeling of protein sequence and biophysical properties (such as structural, functional, and spatial information, amino acid conservation, physicochemical variation, residue mobility, and thermodynamic stability) performed at Invitae indicates that this missense variant is expected to disrupt CLCN1 protein function. ClinVar contains an entry for this variant (Variation ID: 641102). This missense change has been observed in individual(s) with autosomal dominant myotonia congenita (Invitae). It has also been observed to segregate with disease in related individuals. This variant has been reported in individual(s) with autosomal recessive myotonia congenita (PMID: 9736777); however, the role of the variant in this condition is currently unclear.

Revvity Omics, Revvity
Classification: Uncertain significance. Last evaluated: 2021-11-25. Review status: criteria provided, single submitter. Criteria: ACMG Guidelines, 2015. Collection method: clinical testing. Allele origin: germline.

Literature cited by the submitters: PubMed 9736777 (cited by Labcorp Genetics (formerly Invitae), Labcorp).